The following is an entry in ClinVar:

ClinVar aggregate classification (germline): Pathogenic. Review status: criteria provided, multiple submitters, no conflicts (2 of 4 stars). 7 submissions from 7 submitters: Pathogenic (7). Last evaluated 2025-10-23.

Conditions:
Autosomal dominant nonsyndromic hearing loss 11. Identifiers: Orphanet 90635, MedGen C1832475, MONDO:0011032, OMIM 601317.
Autosomal recessive nonsyndromic hearing loss 2. Also called: NEUROSENSORY NONSYNDROMIC RECESSIVE DEAFNESS 2; DEAFNESS, AUTOSOMAL RECESSIVE 2. Identifiers: Orphanet 90636, MedGen C1838701, MONDO:0010807, OMIM 600060.
Usher syndrome type 1 (USH1). Also called: RETINITIS PIGMENTOSA AND CONGENITAL DEAFNESS. Identifiers: Orphanet 231169, Orphanet 886, MedGen C1568247, MONDO:0010168, OMIM 276900.
MYO7A-related disorder. Also called: MYO7A-related disorders.
Retinal dystrophy. Also called: Inherited retinal dystrophy. Identifiers: Orphanet 71862, MedGen C0854723, MeSH D058499, MONDO:0019118, HP:0000556.
Usher syndrome type 1B (USH1B). Also called: Usher syndrome type IB. Identifiers: MedGen C1848638, MONDO:0700087.

Allele frequency attached by ClinVar (database versions not stated): TOPMed below 0.00001.
gnomAD v4.1: 2 of 1,588,040 alleles (0.00013%); highest among the groups gnomAD compares: Middle Eastern, 0.017%; no homozygotes.

Submissions (7):

Natera, Inc.
Classification: Pathogenic for Usher syndrome type 1B. Last evaluated: 2025-10-23. Review status: criteria provided, single submitter. Criteria: Natera Variant Classification Schema (03/2026). Collection method: clinical testing. Allele origin: germline.
Comment: The c.5428A>T variant in MYO7A is a nonsense variant predicted to introduce a stop codon at amino acid 1810. This variant is expected to result in nonsense mediated decay, truncation, or a dysfunctional protein product. This variant is rare in the general population with a frequency below the threshold expected for the associated phenotype(s). This variant has been observed in one or more individuals affected with the associated recessive disease, as either homozygous or compound heterozygous with a second variant (PMID: 27583663). Given the available evidence, this variant is classified as Pathogenic.

Fulgent Genetics
Classification: Pathogenic for Usher syndrome type 1; Autosomal recessive nonsyndromic hearing loss 2; Autosomal dominant nonsyndromic hearing loss 11. Last evaluated: 2024-04-26. Review status: criteria provided, single submitter. Criteria: ACMG Guidelines, 2015. Collection method: clinical testing. Allele origin: germline.

Labcorp Genetics (formerly Invitae), Labcorp
Classification: Pathogenic. Last evaluated: 2023-11-28. Review status: criteria provided, single submitter. Criteria: Invitae Variant Classification Sherloc (09022015). Collection method: clinical testing. Allele origin: germline.
Comment: This sequence change creates a premature translational stop signal (p.Lys1810*) in the MYO7A gene. It is expected to result in an absent or disrupted protein product. Loss-of-function variants in MYO7A are known to be pathogenic (PMID: 8900236, 25404053). This variant is not present in population databases (gnomAD no frequency). This premature translational stop signal has been observed in individual(s) with autosomal recessive Usher syndrome (PMID: 27583663). ClinVar contains an entry for this variant (Variation ID: 1071057). For these reasons, this variant has been classified as Pathogenic.

GeneDx
Classification: Pathogenic. Last evaluated: 2023-05-08. Review status: criteria provided, single submitter. Criteria: GeneDx Variant Classification Process June 2021. Collection method: clinical testing. Allele origin: germline. Affected: yes.
Comment: Identified with a second MYO7A variant in a patient with Usher syndrome in published literature (Wafa et al., 2021); Observed with a pathogenic variant on the opposite allele (in trans) in siblings with congenital sensorineural hearing loss referred for genetic testing at GeneDx; Nonsense variant predicted to result in protein truncation or nonsense mediated decay in a gene for which loss-of-function is a known mechanism of disease; Not observed at significant frequency in large population cohorts (gnomAD); This variant is associated with the following publications: (PMID: 27583663, 34948090, 33089500)

Blueprint Genetics
Classification: Pathogenic for MYO7A-related disorders. Last evaluated: 2022-09-12. Review status: criteria provided, single submitter. Criteria: ACMG Guidelines, 2015. Collection method: clinical testing. Allele origin: germline. Affected: yes. Observed: 2 variant alleles.

Breakthrough Genomics
Classification: Pathogenic for Usher syndrome type 1. Last evaluated: 2021-06-23. Review status: criteria provided, single submitter. Criteria: ACMG Guidelines, 2015. Collection method: clinical testing. Allele origin: germline. Affected: yes.
Comment: This variant was previously reported a patient affected with Usher syndrome [PMID: 27583663]. Loss-of-function variants in the MYO7A gene are known to be pathogenic [PMID: 8900236, 25404053].

Institute of Human Genetics, Univ. Regensburg, Univ. Regensburg
Classification: Pathogenic for Retinal dystrophy. Last evaluated: 2021-01-01. Review status: criteria provided, single submitter. Criteria: ACMG Guidelines, 2015. Collection method: clinical testing. Allele origin: germline. Affected: yes.

Literature cited by the submitters: PubMed 27583663 (cited by 3 submitters); PubMed 8900236 (cited by Labcorp Genetics (formerly Invitae), Labcorp); PubMed 25404053 (cited by Labcorp Genetics (formerly Invitae), Labcorp); PubMed 33089500 (cited by Institute of Human Genetics, Univ. Regensburg, Univ. Regensburg); PubMed 34948090 (cited by Institute of Human Genetics, Univ. Regensburg, Univ. Regensburg).

NM_000260.4(MYO7A):c.5428A>T (p.Lys1810Ter)

Gene: MYO7A (myosin VIIA; plus strand). Cytogenetic location: 11q13.5.
Variant type: single nucleotide variant.
Coding change: c.5428A>T on transcript NM_000260.4 (MANE Select); coding-DNA position 5428, A replaced by T.
Protein change: p.Lys1810Ter; replaces lysine 1810 with a stop codon.
Molecular consequence: nonsense.
Genome position (GRCh38, 1-based): chr11:77,204,177, A>T. VCF-style: chr11-77204177-A-T. GRCh37 (hg19) VCF-style: chr11-76915222-A-T.
Other names: p.Lys1810Ter; c.5428A>T (NM_000260.3); c.5314A>T, p.Lys1772Ter (NM_001127180.2); c.5281A>T, p.Lys1761Ter (NM_001369365.1); short protein forms K1761*, K1772*, K1810*.
Identifiers: ClinVar variation 1071057 (VCV001071057.16), dbSNP rs778009227, ClinGen allele CA381952702.
Genomic context (GRCh38, chr11:77,204,177, plus strand): 5'-CGCTCCGTCAACGAGCTCACCGACCAGATCTTTGAGGGTCCCCTGAAAGCCGAGCCCCTG[A>T]AGGACGAGGCATATGTGCAGATCCTGAAGCAGCTGACCGACAACCACATCAGGTGAGCCA-3'